The following is an entry in ClinVar:

ClinVar aggregate classification (germline): Uncertain significance (1 of 4 stars; one submission).

Submission:

Labcorp Genetics (formerly Invitae), Labcorp
Classification: Uncertain significance. Last evaluated: 2025-09-02. Review status: criteria provided, single submitter. Criteria: Invitae Variant Classification Sherloc (09022015). Collection method: clinical testing. Allele origin: germline.
Comment: This sequence change replaces leucine, which is neutral and non-polar, with valine, which is neutral and non-polar, at codon 150 of the ROR2 protein (p.Leu150Val). This variant is not present in population databases (gnomAD no frequency). This variant has not been reported in the literature in individuals affected with ROR2-related conditions. ClinVar contains an entry for this variant (Variation ID: 2810566). Invitae Evidence Modeling of protein sequence and biophysical properties (such as structural, functional, and spatial information, amino acid conservation, physicochemical variation, residue mobility, and thermodynamic stability) indicates that this missense variant is not expected to disrupt ROR2 protein function with a negative predictive value of 80%. In summary, the available evidence is currently insufficient to determine the role of this variant in disease. Therefore, it has been classified as a Variant of Uncertain Significance.

NM_004560.4(ROR2):c.448C>G (p.Leu150Val)

Gene: ROR2 (receptor tyrosine kinase like orphan receptor 2; minus strand). Cytogenetic location: 9q22.31.
Variant type: single nucleotide variant.
Coding change: c.448C>G on transcript NM_004560.4 (MANE Select); coding-DNA position 448, C replaced by G.
Protein change: p.Leu150Val; replaces leucine 150 with valine.
Molecular consequence: missense variant.
Genome position (GRCh38, 1-based): chr9:91,757,287, G>C on the plus strand (C>G on the coding strand, the complement: ROR2 is on the minus strand). VCF-style: chr9-91757287-G-C. GRCh37 (hg19) VCF-style: chr9-94519569-G-C.
Other names: c.448C>G, p.Leu150Val (NM_001318204.2); short protein forms L150V.
Identifiers: ClinVar variation 2810566 (VCV002810566.3), dbSNP rs777373778, ClinGen allele CA373840460.